The following is an entry in ClinVar:

ClinVar aggregate classification (germline): Benign (0 of 4 stars; one submission).

Conditions:
TLE6-related disorder. Also called: TLE6-related condition.

Allele frequency attached by ClinVar (database versions not stated): gnomAD exomes 0.29024; ExAC 0.33560; gnomAD 0.38187; ESP Exome Variant Server 0.38636; TOPMed 0.39835; 1000 Genomes Project 0.46645; 1000 Genomes Project 30x 0.47033.
gnomAD v4.1: 478,078 of 1,596,926 alleles (30%); highest among the groups gnomAD compares: African/African-American, 62%; 77,952 homozygotes.

Submission:

PreventionGenetics, part of Exact Sciences
Classification: Benign for TLE6-related condition. Last evaluated: 2019-10-17. Review status: no assertion criteria provided. Collection method: clinical testing. Allele origin: germline.
Comment: This variant is classified as benign based on ACMG/AMP sequence variant interpretation guidelines (Richards et al. 2015 PMID: 25741868, with internal and published modifications).

NM_001143986.2(TLE6):c.1387-3T>C

Gene: TLE6 (TLE family member 6, subcortical maternal complex member; plus strand). Cytogenetic location: 19p13.3.
Variant type: single nucleotide variant.
Coding change: c.1387-3T>C on transcript NM_001143986.2 (MANE Select); 3 bases into the intron before coding-DNA position 1387, T replaced by C.
Molecular consequence: intron variant.
Genome position (GRCh38, 1-based): chr19:2,993,429, T>C. VCF-style: chr19-2993429-T-C. GRCh37 (hg19) VCF-style: chr19-2993427-T-C.
Other names: c.1018-3T>C (NM_024760.3).
Identifiers: ClinVar variation 3060824 (VCV003060824.2), dbSNP rs435806, ClinGen allele CA9073089.